The following is an entry in ClinVar:

ClinVar aggregate classification (germline): Uncertain significance. Review status: criteria provided, multiple submitters, no conflicts (2 of 4 stars). 2 submissions from 2 submitters: Uncertain significance (2). Last evaluated 2025-10-03.

Conditions:
Inborn genetic diseases. Identifiers: MedGen C0950123, MeSH D030342.
GRN-related frontotemporal lobar degeneration with Tdp43 inclusions (FTD2). Also called: GRN Frontotemporal Dementia; FRONTOTEMPORAL DEMENTIA WITH TDP43 INCLUSIONS, GRN-RELATED; DEMENTIA, HEREDITARY DYSPHASIC DISINHIBITION; FRONTOTEMPORAL LOBAR DEGENERATION WITH UBIQUITIN-POSITIVE INCLUSIONS; FTLD-TDP, GRN-RELATED. Identifiers: Orphanet 100070, Orphanet 282, MedGen C1843792, MONDO:0011842, OMIM 607485. Disease mechanism: loss of function.
Neuronal ceroid lipofuscinosis 11. Also called: GRN-Related Neuronal Ceroid-Lipofuscinosis. Identifiers: Orphanet 314629, Orphanet 79262, MedGen C3539123, MONDO:0013866, OMIM 614706.

Allele frequency attached by ClinVar (database versions not stated): TOPMed 0.00003.
gnomAD v4.1: 13 of 1,613,230 alleles (0.00081%); highest among the groups gnomAD compares: African/African-American, 0.015%; no homozygotes.

Submissions (2):

Labcorp Genetics (formerly Invitae), Labcorp
Classification: Uncertain significance for Neuronal ceroid lipofuscinosis 11; GRN-related frontotemporal lobar degeneration with Tdp43 inclusions. Last evaluated: 2025-10-03. Review status: criteria provided, single submitter. Criteria: Invitae Variant Classification Sherloc (09022015). Collection method: clinical testing. Allele origin: germline.
Comment: This sequence change replaces valine, which is neutral and non-polar, with alanine, which is neutral and non-polar, at codon 452 of the GRN protein (p.Val452Ala). This variant is present in population databases (rs759134554, gnomAD 0.03%). This variant has not been reported in the literature in individuals affected with GRN-related conditions. ClinVar contains an entry for this variant (Variation ID: 2953006). Invitae Evidence Modeling of protein sequence and biophysical properties (such as structural, functional, and spatial information, amino acid conservation, physicochemical variation, residue mobility, and thermodynamic stability) indicates that this missense variant is not expected to disrupt GRN protein function with a negative predictive value of 80%. In summary, the available evidence is currently insufficient to determine the role of this variant in disease. Therefore, it has been classified as a Variant of Uncertain Significance.

Ambry Genetics
Classification: Uncertain significance for Inborn genetic diseases. Last evaluated: 2025-08-05. Review status: criteria provided, single submitter. Criteria: Ambry Variant Classification Scheme 2023. Collection method: clinical testing. Allele origin: germline.

NM_002087.4(GRN):c.1355T>C (p.Val452Ala)

Gene: GRN (granulin precursor; plus strand). Cytogenetic location: 17q21.31.
Variant type: single nucleotide variant.
Coding change: c.1355T>C on transcript NM_002087.4 (MANE Select); coding-DNA position 1355, T replaced by C.
Protein change: p.Val452Ala; replaces valine 452 with alanine.
Molecular consequence: missense variant.
Genome position (GRCh38, 1-based): chr17:44,352,190, T>C. VCF-style: chr17-44352190-T-C. GRCh37 (hg19) VCF-style: chr17-42429558-T-C.
Other names: short protein forms V452A.
Identifiers: ClinVar variation 2953006 (VCV002953006.4), dbSNP rs759134554, ClinGen allele CA8602178.